The following is an entry in ClinVar:

NM_000179.3(MSH6):c.1605C>G (p.Tyr535Ter)

Gene: MSH6 (mutS homolog 6; plus strand). Cytogenetic location: 2p16.3.
Variant type: single nucleotide variant.
Coding change: c.1605C>G on transcript NM_000179.3 (MANE Select); coding-DNA position 1605, C replaced by G.
Protein change: p.Tyr535Ter; replaces tyrosine 535 with a stop codon.
Molecular consequence: nonsense.
Genome position (GRCh38, 1-based): chr2:47,799,588, C>G. VCF-style: chr2-47799588-C-G. GRCh37 (hg19) VCF-style: chr2-48026727-C-G.
Other names: c.1215C>G, p.Tyr405Ter (NM_001281492.2); c.699C>G, p.Tyr233Ter (NM_001281493.2, NM_001281494.2, NM_001406811.1 and 6 more transcripts); c.1701C>G, p.Tyr567Ter (NM_001406795.1, NM_001406802.1); c.1605C>G, p.Tyr535Ter (NM_001406796.1, NM_001406798.1, NM_001406800.1 and 4 more transcripts); c.1308C>G, p.Tyr436Ter (NM_001406797.1, NM_001406801.1, NM_001406805.1 and 10 more transcripts); c.1080C>G, p.Tyr360Ter (NM_001406799.1, NM_001406806.1, NM_001406807.1); c.1527C>G, p.Tyr509Ter (NM_001406804.1); c.1611C>G, p.Tyr537Ter (NM_001406813.1); and 1 more; short protein forms Y405*, Y535*, Y537*, Y567*, Y360*, Y479*, Y233*, Y436*.
Identifiers: ClinVar variation 1776254 (VCV001776254.3), dbSNP rs2104354873, ClinGen allele CA346746982.
Genomic context (GRCh38, chr2:47,799,588, plus strand): 5'-GATCATTACCAAGGGTACACAGACTTACAGTGTGCTGGAAGGTGATCCCTCTGAGAACTA[C>G]AGTAAGTATCTTCTTAGCCTCAAAGAAAAAGAGGAAGATTCTTCTGGCCATACTCGTGCA-3'

ClinVar aggregate classification (germline): Pathogenic. Review status: criteria provided, multiple submitters, no conflicts (2 of 4 stars). 2 submissions from 2 submitters: Pathogenic (2). Last evaluated 2023-08-15.

Conditions:
Hereditary cancer-predisposing syndrome. Also called: Neoplastic Syndromes, Hereditary; Tumor predisposition; Hereditary Cancer Syndrome; Hereditary neoplastic syndrome. Identifiers: Orphanet 140162, MedGen C0027672, MeSH D009386, MONDO:0015356.
Lynch syndrome 5 (LYNCH5). Also called: Colorectal cancer, hereditary nonpolyposis, type 5; Hereditary non-polyposis colorectal cancer, type 5. Identifiers: Orphanet 144, MedGen C1833477, MONDO:0013710, OMIM 614350. Disease mechanism: loss of function.

Submissions (2):

Myriad Genetics, Inc.
Classification: Pathogenic for Lynch syndrome 5. Last evaluated: 2023-08-15. Review status: criteria provided, single submitter. Criteria: Myriad Autosomal Dominant, Autosomal Recessive and X-Linked Classification Criteria (2023). Collection method: clinical testing. Allele origin: unknown.
Comment: This variant is considered pathogenic. This variant creates a termination codon and is predicted to result in premature protein truncation.

Ambry Genetics
Classification: Pathogenic for Hereditary cancer-predisposing syndrome. Last evaluated: 2019-11-26. Review status: criteria provided, single submitter. Criteria: Ambry Variant Classification Scheme 2023. Collection method: clinical testing. Allele origin: germline.
Comment: The p.Y535* pathogenic mutation (also known as c.1605C>G), located in coding exon 4 of the MSH6 gene, results from a C to G substitution at nucleotide position 1605. This changes the amino acid from a tyrosine to a stop codon within coding exon 4. This alteration is expected to result in loss of function by premature protein truncation or nonsense-mediated mRNA decay. As such, this alteration is interpreted as a disease-causing mutation.